The following is an entry in ClinVar:

ClinVar aggregate classification (germline): Uncertain significance (1 of 4 stars; one submission).

Submission:

Labcorp Genetics (formerly Invitae), Labcorp
Classification: Uncertain significance. Last evaluated: 2023-09-06. Review status: criteria provided, single submitter. Criteria: Invitae Variant Classification Sherloc (09022015). Collection method: clinical testing. Allele origin: germline.
Comment: In summary, the available evidence is currently insufficient to determine the role of this variant in disease. Therefore, it has been classified as a Variant of Uncertain Significance. Advanced modeling of protein sequence and biophysical properties (such as structural, functional, and spatial information, amino acid conservation, physicochemical variation, residue mobility, and thermodynamic stability) performed at Invitae indicates that this missense variant is expected to disrupt TBX20 protein function. This variant has not been reported in the literature in individuals affected with TBX20-related conditions. This variant is not present in population databases (gnomAD no frequency). This sequence change replaces methionine, which is neutral and non-polar, with isoleucine, which is neutral and non-polar, at codon 120 of the TBX20 protein (p.Met120Ile).

NM_001077653.2(TBX20):c.360G>A (p.Met120Ile)

Gene: TBX20 (T-box transcription factor 20; minus strand). Cytogenetic location: 7p14.2.
Variant type: single nucleotide variant.
Coding change: c.360G>A on transcript NM_001077653.2 (MANE Select); coding-DNA position 360, G replaced by A.
Protein change: p.Met120Ile; replaces methionine 120 with isoleucine.
Molecular consequence: missense variant.
Genome position (GRCh38, 1-based): chr7:35,249,971, C>T on the plus strand (G>A on the coding strand, the complement: TBX20 is on the minus strand). VCF-style: chr7-35249971-C-T. GRCh37 (hg19) VCF-style: chr7-35289583-C-T.
Other names: c.360G>A, p.Met120Ile (NM_001166220.1); short protein forms M120I.
Identifiers: ClinVar variation 2758390 (VCV002758390.3), dbSNP rs2546997292, ClinGen allele CA367264922.